The following is an entry in ClinVar:

NM_006019.4(TCIRG1):c.551G>A (p.Arg184His)

Gene: TCIRG1 (T cell immune regulator 1, ATPase H+ transporting V0 subunit a3; plus strand). Cytogenetic location: 11q13.2.
Variant type: single nucleotide variant.
Coding change: c.551G>A on transcript NM_006019.4 (MANE Select); coding-DNA position 551, G replaced by A.
Protein change: p.Arg184His; replaces arginine 184 with histidine.
Molecular consequence: missense variant. On other transcripts: 5 prime UTR variant (2).
Genome position (GRCh38, 1-based): chr11:68,043,418, G>A. VCF-style: chr11-68043418-G-A. GRCh37 (hg19) VCF-style: chr11-67810885-G-A.
Other names: c.-360G>A (NM_001351059.2); c.-98G>A (NM_006053.4); short protein forms R184H.
Identifiers: ClinVar variation 1508077 (VCV001508077.7), dbSNP rs550763346, ClinGen allele CA224203820.
Genomic context (GRCh38, chr11:68,043,418, plus strand): 5'-CCGTGGCCGCCAGCTTTGTGGCAGGTGCCGTGGAGCCCCACAAGGCCCCTGCCCTAGAGC[G>A]CCTGCTCTGGAGGGCCTGCCGCGGCTTCCTCATTGCCAGCTTCAGGGAGCTGGAGCAGCC-3'
Protein context (NP_006010.2, residues 174-194): VEPHKAPALE[Arg184His]LLWRACRGFL

ClinVar aggregate classification (germline): Uncertain significance (1 of 4 stars; one submission).

Allele frequency attached by ClinVar (database versions not stated): gnomAD exomes below 0.00001; gnomAD 0.00001 and 0.00002; TOPMed 0.00001; 1000 Genomes Project 0.00020; 1000 Genomes Project 30x 0.00031.

Submission:

Labcorp Genetics (formerly Invitae), Labcorp
Classification: Uncertain significance. Last evaluated: 2025-10-23. Review status: criteria provided, single submitter. Criteria: Invitae Variant Classification Sherloc (09022015). Collection method: clinical testing. Allele origin: germline.
Comment: This sequence change replaces arginine, which is basic and polar, with histidine, which is basic and polar, at codon 184 of the TCIRG1 protein (p.Arg184His). This variant is not present in population databases (gnomAD no frequency). This variant has not been reported in the literature in individuals affected with TCIRG1-related conditions. ClinVar contains an entry for this variant (Variation ID: 1508077). Invitae Evidence Modeling of protein sequence and biophysical properties (such as structural, functional, and spatial information, amino acid conservation, physicochemical variation, residue mobility, and thermodynamic stability) indicates that this missense variant is expected to disrupt TCIRG1 protein function with a positive predictive value of 80%. In summary, the available evidence is currently insufficient to determine the role of this variant in disease. Therefore, it has been classified as a Variant of Uncertain Significance.